The following is an entry in ClinVar:

ClinVar aggregate classification (germline): Uncertain significance (1 of 4 stars; one submission).

Conditions:
Adams-Oliver syndrome 5 (AOS5). Identifiers: Orphanet 974, MedGen C4014970, MONDO:0014459, OMIM 616028.

Submission:

Labcorp Genetics (formerly Invitae), Labcorp
Classification: Uncertain significance for Adams-Oliver syndrome 5. Last evaluated: 2024-06-29. Review status: criteria provided, single submitter. Criteria: Invitae Variant Classification Sherloc (09022015). Collection method: clinical testing. Allele origin: germline.
Comment: This sequence change replaces glutamine, which is neutral and polar, with histidine, which is basic and polar, at codon 1864 of the NOTCH1 protein (p.Gln1864His). This variant is not present in population databases (gnomAD no frequency). This variant has not been reported in the literature in individuals affected with NOTCH1-related conditions. Advanced modeling of protein sequence and biophysical properties (such as structural, functional, and spatial information, amino acid conservation, physicochemical variation, residue mobility, and thermodynamic stability) has been performed at Invitae for this missense variant, however the output from this modeling did not meet the statistical confidence thresholds required to predict the impact of this variant on NOTCH1 protein function. In summary, the available evidence is currently insufficient to determine the role of this variant in disease. Therefore, it has been classified as a Variant of Uncertain Significance.

NM_017617.5(NOTCH1):c.5592G>T (p.Gln1864His)

Gene: NOTCH1 (notch receptor 1; minus strand). Cytogenetic location: 9q34.3.
Variant type: single nucleotide variant.
Coding change: c.5592G>T on transcript NM_017617.5 (MANE Select); coding-DNA position 5592, G replaced by T.
Protein change: p.Gln1864His; replaces glutamine 1864 with histidine.
Molecular consequence: missense variant.
Genome position (GRCh38, 1-based): chr9:136,501,794, C>A on the plus strand (G>T on the coding strand, the complement: NOTCH1 is on the minus strand). VCF-style: chr9-136501794-C-A. GRCh37 (hg19) VCF-style: chr9-139396246-C-A.
Other names: short protein forms Q1864H.
Identifiers: ClinVar variation 3658208 (VCV003658208.2).
Genomic context (GRCh38, chr9:136,501,794, plus strand): 5'-GCTGGCACCCTTACCAGGCCCGCGGACATTGACGTCCATGCAGTCGGCGTCAACCTCACC[C>A]TGGGGCGGTGTGGGGGCCATGGCAGACATGCGCAGGTCAGCGGCATCCAGGTGCTGCTGA-3'
Protein context (NP_060087.3, residues 1854-1874): RMSAMAPTPP[Gln1864His]GEVDADCMDV